The following is an entry in ClinVar:

NM_032043.3(BRIP1):c.235A>G (p.Lys79Glu)

Gene: BRIP1 (BRCA1 interacting DNA helicase 1; minus strand). Cytogenetic location: 17q23.2.
Variant type: single nucleotide variant.
Coding change: c.235A>G on transcript NM_032043.3 (MANE Select); coding-DNA position 235, A replaced by G.
Protein change: p.Lys79Glu; replaces lysine 79 with glutamic acid.
Molecular consequence: missense variant.
Genome position (GRCh38, 1-based): chr17:61,857,202, T>C on the plus strand (A>G on the coding strand, the complement: BRIP1 is on the minus strand). VCF-style: chr17-61857202-T-C. GRCh37 (hg19) VCF-style: chr17-59934563-T-C.
Other names: short protein forms K79E.
Identifiers: ClinVar variation 4783568 (VCV004783568.1).

ClinVar aggregate classification (germline): Uncertain significance (1 of 4 stars; one submission).

Conditions:
Fanconi anemia complementation group J. Also called: BRIP1-Related Fanconi Anemia. Identifiers: Orphanet 84, MedGen C1836860, MONDO:0012187, OMIM 609054.
Familial cancer of breast. Also called: Hereditary breast cancer; hereditary breast carcinoma; BREAST CANCER, FAMILIAL. Identifiers: Orphanet 227535, MedGen C0346153, MONDO:0016419, OMIM 114480. Disease mechanism: loss of function.

Submission:

Labcorp Genetics (formerly Invitae), Labcorp
Classification: Uncertain significance for Familial cancer of breast; Fanconi anemia complementation group J. Last evaluated: 2025-12-20. Review status: criteria provided, single submitter. Criteria: Invitae Variant Classification Sherloc (09022015). Collection method: clinical testing. Allele origin: germline.
Comment: This sequence change replaces lysine, which is basic and polar, with glutamic acid, which is acidic and polar, at codon 79 of the BRIP1 protein (p.Lys79Glu). This variant is not present in population databases (gnomAD no frequency). This variant has not been reported in the literature in individuals affected with BRIP1-related conditions. Invitae Evidence Modeling of protein sequence and biophysical properties (such as structural, functional, and spatial information, amino acid conservation, physicochemical variation, residue mobility, and thermodynamic stability) indicates that this missense variant is not expected to disrupt BRIP1 protein function with a negative predictive value of 95%. In summary, the available evidence is currently insufficient to determine the role of this variant in disease. Therefore, it has been classified as a Variant of Uncertain Significance.